The following is an entry in ClinVar:

NC_000017.10:g.(?_19554850)_(19555955_?)del

Gene: ALDH3A2 (aldehyde dehydrogenase 3 family member A2; plus strand). Cytogenetic location: 17p11.2.
Variant type: Deletion.
Identifiers: ClinVar variation 2422988 (VCV002422988.3).

ClinVar aggregate classification (germline): Pathogenic (1 of 4 stars; one submission).

Submission:

Labcorp Genetics (formerly Invitae), Labcorp
Classification: Pathogenic. Last evaluated: 2022-10-19. Review status: criteria provided, single submitter. Criteria: Invitae Variant Classification Sherloc (09022015). Collection method: clinical testing. Allele origin: germline.
Comment: This variant is a gross deletion of the genomic region encompassing exon(s) 2-3 of the ALDH3A2 gene. This variant would be expected to be in-frame, preserving the integrity of the reading frame. This variant has not been reported in the literature in individuals affected with ALDH3A2-related conditions. This variant disrupts a region of the ALDH3A2 protein in which other variant(s) (p.Val64Asp) have been determined to be pathogenic (PMID: 10577908, 32506993). This suggests that this is a clinically significant region of the protein, and that variants that disrupt it are likely to be disease-causing. For these reasons, this variant has been classified as Pathogenic.

Literature cited by the submitters: PubMed 10577908; PubMed 32506993.